The following is an entry in ClinVar:

NM_015559.3(SETBP1):c.4046G>C (p.Ser1349Thr)

Gene: SETBP1 (SET binding protein 1; plus strand). Cytogenetic location: 18q12.3.
Variant type: single nucleotide variant.
Coding change: c.4046G>C on transcript NM_015559.3 (MANE Select); coding-DNA position 4046, G replaced by C.
Protein change: p.Ser1349Thr; replaces serine 1349 with threonine.
Molecular consequence: missense variant.
Genome position (GRCh38, 1-based): chr18:45,038,530, G>C. VCF-style: chr18-45038530-G-C. GRCh37 (hg19) VCF-style: chr18-42618495-G-C.
Other names: c.4046G>C, p.Ser1349Thr (LRG_1150t1); short protein forms S1349T.
Identifiers: ClinVar variation 521227 (VCV000521227.12), dbSNP rs1178340807, ClinGen allele CA402482402.

ClinVar aggregate classification (germline): Uncertain significance. Review status: criteria provided, multiple submitters, no conflicts (2 of 4 stars). 4 submissions from 4 submitters: Uncertain significance (4). Last evaluated 2025-11-13.

Conditions:
Inborn genetic diseases. Identifiers: MedGen C0950123, MeSH D030342.

Allele frequency attached by ClinVar (database versions not stated): gnomAD 0.00003 and 0.00004; TOPMed 0.00003.
gnomAD v4.1: 10 of 1,614,050 alleles (0.00062%); highest among the groups gnomAD compares: African/African-American, 0.011%; no homozygotes.

Submissions (4):

Labcorp Genetics (formerly Invitae), Labcorp
Classification: Uncertain significance. Last evaluated: 2025-11-13. Review status: criteria provided, single submitter. Criteria: Invitae Variant Classification Sherloc (09022015). Collection method: clinical testing. Allele origin: germline.
Comment: This sequence change replaces serine, which is neutral and polar, with threonine, which is neutral and polar, at codon 1349 of the SETBP1 protein (p.Ser1349Thr). This variant is not present in population databases (gnomAD no frequency). This variant has not been reported in the literature in individuals affected with SETBP1-related conditions. ClinVar contains an entry for this variant (Variation ID: 521227). Invitae Evidence Modeling of protein sequence and biophysical properties (such as structural, functional, and spatial information, amino acid conservation, physicochemical variation, residue mobility, and thermodynamic stability) indicates that this missense variant is not expected to disrupt SETBP1 protein function with a negative predictive value of 80%. In summary, the available evidence is currently insufficient to determine the role of this variant in disease. Therefore, it has been classified as a Variant of Uncertain Significance.

Women's Health and Genetics/Laboratory Corporation of America, LabCorp
Classification: Uncertain significance. Last evaluated: 2024-09-11. Review status: criteria provided, single submitter. Criteria: LabCorp Variant Classification Summary - May 2015. Collection method: clinical testing. Allele origin: germline.
Comment: Variant summary: SETBP1 c.4046G>C (p.Ser1349Thr) results in a conservative amino acid change in the encoded protein sequence. Five of five in-silico tools predict a benign effect of the variant on protein function. The variant was absent in 251428 control chromosomes. The available data on variant occurrences in the general population are insufficient to allow any conclusion about variant significance. To our knowledge, no occurrence of c.4046G>C in individuals affected with SETBP1-Related Disorders and no experimental evidence demonstrating its impact on protein function have been reported. ClinVar contains an entry for this variant (Variation ID: 521227). Based on the evidence outlined above, the variant was classified as uncertain significance.

Genetic Services Laboratory, University of Chicago
Classification: Uncertain significance. Last evaluated: 2017-12-27. Review status: criteria provided, single submitter. Criteria: ACMG Guidelines, 2015. Collection method: clinical testing. Allele origin: germline. Affected: no.

Ambry Genetics
Classification: Uncertain significance for Inborn genetic diseases. Last evaluated: 2016-08-16. Review status: criteria provided, single submitter. Criteria: Ambry exome assertion method (8-5-2015). Collection method: clinical testing. Allele origin: germline. Affected: yes. Observed: 1 variant allele.